The following is an entry in ClinVar:

NM_024675.4(PALB2):c.2749-1G>C

Gene: PALB2 (partner and localizer of BRCA2; minus strand). Cytogenetic location: 16p12.2.
Variant type: single nucleotide variant.
Coding change: c.2749-1G>C on transcript NM_024675.4 (MANE Select); the canonical splice acceptor site of the intron before coding-DNA position 2749, G replaced by C.
Molecular consequence: splice acceptor variant.
Genome position (GRCh38, 1-based): chr16:23,624,095, C>G on the plus strand (G>C on the coding strand, the complement: PALB2 is on the minus strand). VCF-style: chr16-23624095-C-G. GRCh37 (hg19) VCF-style: chr16-23635416-C-G.
Other names: c.1702-1G>C (NM_001407307.1); c.1864-1G>C (NM_001407309.1, NM_001407311.1, NM_001407305.1 and 4 more transcripts); c.283-1G>C (NM_001407314.1); c.961-1G>C (NM_001407313.1, NM_001407312.1); c.2689-1G>C (NM_001407296.1); c.2677-1G>C (NM_001407297.1); c.2587-1G>C (NM_001407302.1, NM_001407298.1); c.2749-1G>C (NM_001407300.1, NM_001407299.1, NM_001407301.1).
Identifiers: ClinVar variation 410212 (VCV000410212.12), dbSNP rs1060502804, ClinGen allele CA16614853.

ClinVar aggregate classification (germline): Likely pathogenic. Review status: criteria provided, multiple submitters, no conflicts (2 of 4 stars). 3 submissions from 3 submitters: Likely pathogenic (3). Last evaluated 2025-08-24.

Conditions:
Hereditary cancer-predisposing syndrome. Also called: Hereditary neoplastic syndrome; Tumor predisposition; Hereditary Cancer Syndrome; Neoplastic Syndromes, Hereditary. Identifiers: Orphanet 140162, MedGen C0027672, MeSH D009386, MONDO:0015356.
Familial cancer of breast. Also called: hereditary breast carcinoma; Hereditary breast cancer; BREAST CANCER, FAMILIAL. Identifiers: Orphanet 227535, MedGen C0346153, MONDO:0016419, OMIM 114480. Disease mechanism: loss of function.

Allele frequency attached by ClinVar (database versions not stated): gnomAD exomes below 0.00001.
gnomAD v4.1: 1 of 1,599,988 alleles (0.000063%); highest among the groups gnomAD compares: East Asian, 0.0022%; no homozygotes.

Submissions (3):

Labcorp Genetics (formerly Invitae), Labcorp
Classification: Likely pathogenic for Familial cancer of breast. Last evaluated: 2025-08-24. Review status: criteria provided, single submitter. Criteria: Invitae Variant Classification Sherloc (09022015). Collection method: clinical testing. Allele origin: germline.
Comment: This sequence change affects an acceptor splice site in intron 7 of the PALB2 gene. RNA analysis indicates that disruption of this splice site induces altered splicing and may result in an absent or altered protein product. This variant is not present in population databases (gnomAD no frequency). Disruption of this splice site has been observed in individual(s) with breast cancer (PMID: 28825143). ClinVar contains an entry for this variant (Variation ID: 410212). Studies have shown that disruption of this splice site results in activation of a cryptic splice site, and produces a non-functional protein and/or introduces a premature termination codon (PMID: 34846068). In summary, the currently available evidence indicates that the variant is pathogenic, but additional data are needed to prove that conclusively. Therefore, this variant has been classified as Likely Pathogenic.

Ambry Genetics
Classification: Likely pathogenic for Hereditary cancer-predisposing syndrome. Last evaluated: 2025-03-22. Review status: criteria provided, single submitter. Criteria: Ambry Variant Classification Scheme 2023. Collection method: clinical testing. Allele origin: germline.
Comment: The c.2749-1G>C intronic variant results from a G to C substitution one nucleotide upstream from coding exon 8 of the PALB2 gene. This nucleotide position is highly conserved in available vertebrate species. In silico splice site analysis predicts that this alteration will weaken the native splice acceptor site and will result in the creation or strengthening of a novel splice acceptor site; however, direct evidence is insufficient at this time (Ambry internal data). Alterations that disrupt the canonical splice site are expected to cause aberrant splicing, resulting in an abnormal protein or a transcript that is subject to nonsense-mediated mRNA decay. As such, this alteration is classified as likely pathogenic.

GeneDx
Classification: Likely pathogenic. Last evaluated: 2024-10-06. Review status: criteria provided, single submitter. Criteria: GeneDx Variant Classification Process June 2021. Collection method: clinical testing. Allele origin: germline.
Comment: Canonical splice site variant predicted to result in a null allele in a gene for which loss of function is a known mechanism of disease; Not observed at significant frequency in large population cohorts (gnomAD); Observed in patients with breast cancer (PMID: 28825143, 30720863, 32339256); This variant is associated with the following publications: (PMID: 28825143, 30890586, 30720863, 32339256, 34846068)

Literature cited by the submitters: PubMed 28825143 (cited by Labcorp Genetics (formerly Invitae), Labcorp); PubMed 34846068 (cited by Labcorp Genetics (formerly Invitae), Labcorp).